The following is an entry in ClinVar:

NM_020312.4(COQ9):c.71_72delinsAT (p.Pro24His)

Genes: COQ9 (coenzyme Q9; plus strand), LOC112469007 (Sharpr-MPRA regulatory region 5957; plus strand). Cytogenetic location: 16q21.
Variant type: Indel.
Coding change: c.71_72delinsAT on transcript NM_020312.4 (MANE Select); coding-DNA positions 71 to 72, CC replaced by AT.
Protein change: p.Pro24His; replaces proline 24 with histidine.
Molecular consequence: missense variant.
Genome position (GRCh38, 1-based): chr16:57,447,576-57,447,577, CC replaced by AT. VCF-style: chr16-57447576-CC-AT. GRCh37 (hg19) VCF-style: chr16-57481488-CC-AT.
Other names: short protein forms P24H.
Identifiers: ClinVar variation 1481812 (VCV001481812.5), dbSNP rs2146581541, ClinGen allele CA2573152531.

ClinVar aggregate classification (germline): Uncertain significance (1 of 4 stars; one submission).

Submission:

Labcorp Genetics (formerly Invitae), Labcorp
Classification: Uncertain significance. Last evaluated: 2022-07-17. Review status: criteria provided, single submitter. Criteria: Invitae Variant Classification Sherloc (09022015). Collection method: clinical testing. Allele origin: germline.
Comment: This sequence change replaces proline, which is neutral and non-polar, with histidine, which is basic and polar, at codon 24 of the COQ9 protein (p.Pro24His). The frequency data for this variant in the population databases is considered unreliable, as metrics indicate poor data quality at this position in the gnomAD database. This variant has not been reported in the literature in individuals affected with COQ9-related conditions. ClinVar contains an entry for this variant (Variation ID: 1481812). Algorithms developed to predict the effect of missense changes on protein structure and function are either unavailable or do not agree on the potential impact of this missense change (SIFT: "Not Available"; PolyPhen-2: "Possibly Damaging"; Align-GVGD: "Not Available"). Algorithms developed to predict the effect of sequence changes on RNA splicing suggest that this variant may disrupt the consensus splice site. In summary, the available evidence is currently insufficient to determine the role of this variant in disease. Therefore, it has been classified as a Variant of Uncertain Significance.